The following is an entry in ClinVar:

ClinVar aggregate classification (germline): Likely pathogenic (1 of 4 stars; one submission).

Conditions:
Polycystic kidney disease 2 (PKD2). Also called: POLYCYSTIC KIDNEY DISEASE 2 WITH OR WITHOUT POLYCYSTIC LIVER DISEASE; Polycystic Kidney Disease 2, Autosomal Dominant; POLYCYSTIC KIDNEY DISEASE, ADULT, TYPE II. Identifiers: MedGen C2751306, MONDO:0013131, OMIM 613095.

Submission:

Juno Genomics, Hangzhou Juno Genomics, Inc
Classification: Likely pathogenic for Polycystic kidney disease 2. Review status: criteria provided, single submitter. Criteria: ACMG Guidelines, 2015. Collection method: clinical testing. Allele origin: germline. Affected: yes.
Comment: Absent from controls (or at extremely low frequency if recessive) in Genome Aggregation Database.;Null variant in a gene where loss of function (LOF) is a known mechanism of disease.

NM_000297.4(PKD2):c.2513_2514del (p.Glu838fs)

Gene: PKD2 (polycystin 2, transient receptor potential cation channel; plus strand). Cytogenetic location: 4q22.1.
Variant type: Microsatellite.
Coding change: c.2513_2514del on transcript NM_000297.4 (MANE Select); coding-DNA positions 2513 to 2514, 2 bases deleted (AG; older notation c.2513_2514delAG).
Protein change: p.Glu838fs; shifts the reading frame from glutamic acid 838.
Molecular consequence: frameshift variant. On other transcripts: non-coding transcript variant (1).
Genome position (GRCh38, 1-based): chr4:88,068,052-88,068,053, AG deleted; deleting any 2 consecutive bases within chr4:88,068,050-88,068,053 gives the same sequence; the c. name uses the placement nearest the transcript's 3' end. VCF-style (leftmost placement, unchanged base first): chr4-88068049-AAG-A. GRCh37 (hg19) VCF-style: chr4-88989201-AAG-A.
Other names: c.2288_2289del, p.Glu763fs (NM_001440544.1); short protein forms E763fs, E838fs.
Identifiers: ClinVar variation 5019174 (VCV005019174.1).